The following is an entry in ClinVar:

ClinVar aggregate classification (germline): Likely benign. Review status: criteria provided, multiple submitters, no conflicts (2 of 4 stars). 3 submissions from 3 submitters: Likely benign (3). Last evaluated 2026-01-23.

Conditions:
Glycogen storage disease type X (GSD10). Also called: GSD X; Glycogen storage disease due to phosphoglycerate mutase deficiency; MYOPATHY DUE TO PHOSPHOGLYCERATE MUTASE DEFICIENCY; PGAMM DEFICIENCY; PHOSPHOGLYCERATE MUTASE, MUSCLE, DEFICIENCY OF; Dimauro disease. Identifiers: Orphanet 97234, MedGen C0268149, MONDO:0009865, OMIM 261670.

Allele frequency attached by ClinVar (database versions not stated): ExAC 0.00005; ESP Exome Variant Server 0.00008; gnomAD exomes 0.00008 and 0.00009; gnomAD 0.00014 and 0.00015; TOPMed 0.00020.
gnomAD v4.1: 160 of 1,606,768 alleles (0.01%); highest among the groups gnomAD compares: Middle Eastern, 0.099%; no homozygotes.

Submissions (3):

Labcorp Genetics (formerly Invitae), Labcorp
Classification: Likely benign for Glycogen storage disease type X. Last evaluated: 2026-01-23. Review status: criteria provided, single submitter. Criteria: Invitae Variant Classification Sherloc (09022015). Collection method: clinical testing. Allele origin: germline.

Blueprint Genetics
Classification: Likely benign. Last evaluated: 2024-08-19. Review status: criteria provided, single submitter. Criteria: ACMG Guidelines, 2015. Collection method: clinical testing. Allele origin: germline.

GeneDx
Classification: Likely benign. Last evaluated: 2017-12-05. Review status: criteria provided, single submitter. Criteria: GeneDx Variant Classification (06012015). Collection method: clinical testing. Allele origin: germline. Affected: yes.
Comment: This variant is considered likely benign or benign based on one or more of the following criteria: it is a conservative change, it occurs at a poorly conserved position in the protein, it is predicted to be benign by multiple in silico algorithms, and/or has population frequency not consistent with disease.

NM_000290.4(PGAM2):c.415-17G>A

Genes: DBNL (drebrin like; plus strand), PGAM2 (phosphoglycerate mutase 2; minus strand). Cytogenetic location: 7p13.
Variant type: single nucleotide variant.
Coding change: c.415-17G>A on transcript NM_000290.4 (MANE Select); 17 bases into the intron before coding-DNA position 415, G replaced by A.
Molecular consequence: intron variant. On other transcripts: 3 prime UTR variant (6).
Genome position (GRCh38, 1-based): chr7:44,065,029, C>T on the plus strand (G>A on the coding strand, the complement: PGAM2 is on the minus strand). VCF-style: chr7-44065029-C-T. GRCh37 (hg19) VCF-style: chr7-44104628-C-T.
Other names: c.*4113C>T (NM_001014436.3, NM_001122956.2, NM_001284313.2 and 3 more transcripts).
Identifiers: ClinVar variation 385446 (VCV000385446.6), dbSNP rs370359405, ClinGen allele CA4236582.